The following is an entry in ClinVar:

NM_005751.5(AKAP9):c.1625A>G (p.Glu542Gly)

Gene: AKAP9 (A-kinase anchoring protein 9; plus strand). Cytogenetic location: 7q21.2.
Variant type: single nucleotide variant.
Coding change: c.1625A>G on transcript NM_005751.5 (MANE Select); coding-DNA position 1625, A replaced by G.
Protein change: p.Glu542Gly; replaces glutamic acid 542 with glycine.
Molecular consequence: missense variant.
Genome position (GRCh38, 1-based): chr7:92,001,542, A>G. VCF-style: chr7-92001542-A-G. GRCh37 (hg19) VCF-style: chr7-91630856-A-G.
Other names: c.1625A>G, p.Glu542Gly (NM_147185.3); short protein forms E542G.
Identifiers: ClinVar variation 1009251 (VCV001009251.8), dbSNP rs1283390674, ClinGen allele CA368122216.

ClinVar aggregate classification (germline): Uncertain significance. Review status: criteria provided, multiple submitters, no conflicts (2 of 4 stars). 2 submissions from 2 submitters: Uncertain significance (2). Last evaluated 2025-07-14.

Conditions:
Long QT syndrome (LQTS). Identifiers: MedGen C0023976, MeSH D008133, MONDO:0002442. Disease mechanism: loss of function. Inheritance: Various modes of inheritance.
Cardiovascular phenotype. Identifiers: MedGen CN230736.

Allele frequency attached by ClinVar (database versions not stated): gnomAD exomes 0.00001; TOPMed 0.00001.
gnomAD v4.1: 2 of 1,613,934 alleles (0.00012%); highest among the groups gnomAD compares: Admixed American, 0.0033%; no homozygotes.

Submissions (2):

Labcorp Genetics (formerly Invitae), Labcorp
Classification: Uncertain significance for Long QT syndrome. Last evaluated: 2025-07-14. Review status: criteria provided, single submitter. Criteria: Invitae Variant Classification Sherloc (09022015). Collection method: clinical testing. Allele origin: germline.
Comment: This sequence change replaces glutamic acid, which is acidic and polar, with glycine, which is neutral and non-polar, at codon 542 of the AKAP9 protein (p.Glu542Gly). This variant is present in population databases (no rsID available, gnomAD 0.006%). This variant has not been reported in the literature in individuals affected with AKAP9-related conditions. ClinVar contains an entry for this variant (Variation ID: 1009251). An algorithm developed to predict the effect of missense changes on protein structure and function (PolyPhen-2) suggests that this variant is likely to be tolerated. In summary, the available evidence is currently insufficient to determine the role of this variant in disease. Therefore, it has been classified as a Variant of Uncertain Significance.

Ambry Genetics
Classification: Uncertain significance for Cardiovascular phenotype. Last evaluated: 2022-08-11. Review status: criteria provided, single submitter. Criteria: Ambry Variant Classification Scheme 2023. Collection method: clinical testing. Allele origin: germline.